The following is an entry in ClinVar:

ClinVar aggregate classification (germline): Uncertain significance. Review status: criteria provided, multiple submitters, no conflicts (2 of 4 stars). 3 submissions from 3 submitters: Uncertain significance (3). Last evaluated 2024-01-11.

Conditions:
Inborn genetic diseases. Identifiers: MedGen C0950123, MeSH D030342.
Polycystic kidney disease 3 with or without polycystic liver disease. Also called: POLYCYSTIC KIDNEY DISEASE, ADULT, TYPE III; Polycystic kidney disease 3; Polycystic Kidney and/or Polycystic Liver Disease 3. Identifiers: MedGen C3887964, MONDO:0010916, OMIM 600666.

Allele frequency attached by ClinVar (database versions not stated): gnomAD 0.00002; ExAC 0.00002; gnomAD exomes 0.00004; TOPMed 0.00001.
gnomAD v4.1: 58 of 1,613,808 alleles (0.0036%); highest among the groups gnomAD compares: Non-Finnish European, 0.0047%; no homozygotes.

Submissions (3):

Fulgent Genetics
Classification: Uncertain significance for Polycystic kidney disease 3 with or without polycystic liver disease. Last evaluated: 2024-01-11. Review status: criteria provided, single submitter. Criteria: ACMG Guidelines, 2015. Collection method: clinical testing. Allele origin: germline.

Labcorp Genetics (formerly Invitae), Labcorp
Classification: Uncertain significance. Last evaluated: 2023-05-02. Review status: criteria provided, single submitter. Criteria: Invitae Variant Classification Sherloc (09022015). Collection method: clinical testing. Allele origin: germline.
Comment: In summary, the available evidence is currently insufficient to determine the role of this variant in disease. Therefore, it has been classified as a Variant of Uncertain Significance. Algorithms developed to predict the effect of sequence changes on RNA splicing suggest that this variant may create or strengthen a splice site. Advanced modeling of protein sequence and biophysical properties (such as structural, functional, and spatial information, amino acid conservation, physicochemical variation, residue mobility, and thermodynamic stability) performed at Invitae indicates that this missense variant is not expected to disrupt GANAB protein function. ClinVar contains an entry for this variant (Variation ID: 2263375). This variant has not been reported in the literature in individuals affected with GANAB-related conditions. This variant is present in population databases (rs747622584, gnomAD 0.008%). This sequence change replaces tyrosine, which is neutral and polar, with cysteine, which is neutral and slightly polar, at codon 790 of the GANAB protein (p.Tyr790Cys).

Ambry Genetics
Classification: Uncertain significance for Inborn genetic diseases. Last evaluated: 2021-12-03. Review status: criteria provided, single submitter. Criteria: Ambry Variant Classification Scheme 2023. Collection method: clinical testing. Allele origin: germline.

NM_198334.3(GANAB):c.2303A>G (p.Tyr768Cys)

Gene: GANAB (glucosidase II alpha subunit; minus strand). Cytogenetic location: 11q12.3.
Variant type: single nucleotide variant.
Coding change: c.2303A>G on transcript NM_198334.3 (MANE Select); coding-DNA position 2303, A replaced by G.
Protein change: p.Tyr768Cys; replaces tyrosine 768 with cysteine.
Molecular consequence: missense variant.
Genome position (GRCh38, 1-based): chr11:62,627,067, T>C on the plus strand (A>G on the coding strand, the complement: GANAB is on the minus strand). VCF-style: chr11-62627067-T-C. GRCh37 (hg19) VCF-style: chr11-62394539-T-C.
Other names: c.2027A>G, p.Tyr676Cys (NM_001278192.2); c.1961A>G, p.Tyr654Cys (NM_001278193.2); c.2012A>G, p.Tyr671Cys (NM_001278194.2, NM_001329222.2, NM_001329223.2); c.1580A>G, p.Tyr527Cys (NM_001329224.2, NM_001329225.2); c.2369A>G, p.Tyr790Cys (NM_198335.4); short protein forms Y527C, Y671C, Y676C, Y768C, Y654C, Y790C.
Identifiers: ClinVar variation 2263375 (VCV002263375.5), dbSNP rs747622584, ClinGen allele CA6050519.